The following is an entry in ClinVar:

ClinVar aggregate classification (germline): Conflicting classifications of pathogenicity. Review status: criteria provided, conflicting classifications (1 of 4 stars). 6 submissions from 6 submitters: Uncertain significance (2); Benign (2); Likely benign (1). 1 of the submissions does not count toward it. Last evaluated 2026-01-25.

Conditions:
Hypophosphatasia. Also called: Phosphoethanol-aminuria. Identifiers: Orphanet 436, MedGen C0020630, MeSH D007014, MONDO:0018570.

Allele frequency attached by ClinVar (database versions not stated): gnomAD exomes 0.00019 and 0.00037; TOPMed 0.00022; gnomAD 0.00024 and 0.00026; ExAC 0.00034; ESP Exome Variant Server 0.00038.
gnomAD v4.1: 327 of 1,614,050 alleles (0.02%); highest among the groups gnomAD compares: African/African-American, 0.004%; 2 homozygotes.

Submissions (7):

Labcorp Genetics (formerly Invitae), Labcorp
Classification: Benign. Last evaluated: 2026-01-25. Review status: criteria provided, single submitter. Criteria: Invitae Variant Classification Sherloc (09022015). Collection method: clinical testing. Allele origin: germline.

Women's Health and Genetics/Laboratory Corporation of America, LabCorp
Classification: Benign. Last evaluated: 2023-12-14. Review status: criteria provided, single submitter. Criteria: LabCorp Variant Classification Summary - May 2015. Collection method: clinical testing. Allele origin: germline.

GeneDx
Classification: Uncertain significance. Last evaluated: 2021-08-09. Review status: criteria provided, single submitter. Criteria: GeneDx Variant Classification Process June 2021. Collection method: clinical testing. Allele origin: germline. Affected: yes.
Comment: Has not been previously published as pathogenic or benign to our knowledge; In-silico analysis, which includes splice predictors and evolutionary conservation, is inconclusive as to whether the variant alters gene splicing. In the absence of RNA/functional studies, the actual effect of this sequence change is unknown.

Illumina Laboratory Services, Illumina
Classification: Likely benign for Hypophosphatasia. Last evaluated: 2018-01-12. Review status: criteria provided, single submitter. Criteria: ICSL Variant Classification Criteria 13 December 2019. Collection method: clinical testing. Allele origin: germline.
Comment: This variant was observed in the ICSL laboratory as part of a predisposition screen in an ostensibly healthy population. It had not been previously curated by ICSL or reported in the Human Gene Mutation Database (HGMD: prior to June 1st, 2018), and was therefore a candidate for classification through an automated scoring system. Utilizing variant allele frequency, disease prevalence and penetrance estimates, and inheritance mode, an automated score was calculated to assess if this variant is too frequent to cause the disease. Based on the score and internal cut-off values, a variant classified as likely benign is not then subjected to further curation. The score for this variant resulted in a classification of likely benign for this disease.

Eurofins Ntd Llc (ga)
Classification: Uncertain significance. Last evaluated: 2016-08-12. Review status: criteria provided, single submitter. Criteria: EGL Classification Definitions 2015. Collection method: clinical testing. Allele origin: germline. Observed: 1 variant allele, 1 heterozygote.

Natera, Inc.
Classification: Uncertain significance for Hypophosphatasia. Last evaluated: 2020-01-24. Review status: no assertion criteria provided. Collection method: clinical testing. Allele origin: germline. Not counted in ClinVar's aggregate classification.

Dr. Peter K. Rogan Lab, Western University
No classification provided (evidence only). Condition: Hepatocellular carcinoma. Review status: no classification provided. Collection method: in vitro. Allele origin: not applicable. Functional consequence: retained intron. Not counted in ClinVar's aggregate classification.

NM_000478.6(ALPL):c.1002C>T (p.Gly334=)

Gene: ALPL (alkaline phosphatase, biomineralization associated; plus strand). Cytogenetic location: 1p36.12.
Variant type: single nucleotide variant.
Coding change: c.1002C>T on transcript NM_000478.6 (MANE Select); coding-DNA position 1002, C replaced by T.
Protein change: p.Gly334=; no amino-acid change (glycine 334 retained).
Molecular consequence: synonymous variant.
Genome position (GRCh38, 1-based): chr1:21,575,737, C>T. VCF-style: chr1-21575737-C-T. GRCh37 (hg19) VCF-style: chr1-21902230-C-T.
Other names: c.837C>T, p.Gly279= (NM_001127501.4); c.771C>T, p.Gly257= (NM_001177520.3); c.1002C>T, p.Gly334= (NM_001369803.2, NM_001369804.2, NM_001369805.2).
Identifiers: ClinVar variation 290031 (VCV000290031.25), dbSNP rs370122334, ClinGen allele CA666719.